The following is an entry in ClinVar:

NM_001267550.2(TTN):c.1083_1084del (p.Glu361fs)

Gene: TTN (titin; minus strand). Cytogenetic location: 2q31.2.
Variant type: Microsatellite.
Coding change: c.1083_1084del on transcript NM_001267550.2 (MANE Select); coding-DNA positions 1083 to 1084, 2 bases deleted (GA; older notation c.1083_1084delGA).
Protein change: p.Glu361fs; shifts the reading frame from glutamic acid 361.
Molecular consequence: frameshift variant.
Genome position (GRCh38, 1-based): chr2:178,795,083-178,795,084, TC deleted on the plus strand (GA on the coding strand, the reverse complement: TTN is on the minus strand); deleting any 2 consecutive bases within chr2:178,795,083-178,795,090 gives the same sequence; the c. name uses the placement nearest the transcript's 3' end. VCF-style (leftmost placement, unchanged base first): chr2-178795082-GTC-G. GRCh37 (hg19) VCF-style: chr2-179659809-GTC-G.
Other names: c.1083_1084del, p.Glu361fs (NM_001256850.1, NM_003319.4, NM_133378.4 and 3 more transcripts); short protein forms E361fs.
Identifiers: ClinVar variation 4793247 (VCV004793247.1).

ClinVar aggregate classification (germline): Likely pathogenic (1 of 4 stars; one submission).

Conditions:
Autosomal recessive limb-girdle muscular dystrophy type 2J (LGMDR10). Also called: MUSCULAR DYSTROPHY, LIMB-GIRDLE, AUTOSOMAL RECESSIVE 10; Limb-girdle muscular dystrophy, type 2J. Identifiers: Orphanet 140922, MedGen C1837342, MONDO:0012127, OMIM 608807.
Dilated cardiomyopathy 1G (CMD1G). Identifiers: Orphanet 154, MedGen C1858763, MONDO:0011400, OMIM 604145.

Submission:

Labcorp Genetics (formerly Invitae), Labcorp
Classification: Likely pathogenic for Dilated cardiomyopathy 1G; Autosomal recessive limb-girdle muscular dystrophy type 2J. Last evaluated: 2026-01-14. Review status: criteria provided, single submitter. Criteria: Invitae Variant Classification Sherloc (09022015). Collection method: clinical testing. Allele origin: germline.
Comment: This sequence change creates a premature translational stop signal (p.Glu361Aspfs*42) in the TTN gene. While this is not anticipated to result in nonsense mediated decay, it is expected to create a truncated TTN protein. This variant is not present in population databases (gnomAD no frequency). This variant has not been reported in the literature in individuals affected with TTN-related conditions. This variant is located in the Z band of TTN (PMID: 25589632). Truncating variants in this region have been reported in individuals affected with autosomal recessive centronuclear myopathy (PMID: 33449170, internal data). Truncating variants in this region have also been identified in individuals affected with autosomal dominant dilated cardiomyopathy and/or cardio-related conditions (PMID: 27869827, 32964742, internal data). In summary, the currently available evidence indicates that the variant is pathogenic, but additional data are needed to prove that conclusively. Therefore, this variant has been classified as Likely Pathogenic.

Literature cited by the submitters: PubMed 25589632; PubMed 33449170; PubMed 27869827; PubMed 32964742.